The following is an entry in ClinVar:

NM_001166108.2(PALLD):c.967G>A (p.Gly323Arg)

Gene: PALLD (palladin, cytoskeletal associated protein; plus strand). Cytogenetic location: 4q32.3.
Variant type: single nucleotide variant.
Coding change: c.967G>A on transcript NM_001166108.2 (MANE Select); coding-DNA position 967, G replaced by A.
Protein change: p.Gly323Arg; replaces glycine 323 with arginine.
Molecular consequence: missense variant. On other transcripts: 5 prime UTR variant (1).
Genome position (GRCh38, 1-based): chr4:168,668,248, G>A. VCF-style: chr4-168668248-G-A. GRCh37 (hg19) VCF-style: chr4-169589399-G-A.
Other names: c.-180G>A (NM_001166109.2); c.967G>A, p.Gly323Arg (NM_016081.4); short protein forms G323R.
Identifiers: ClinVar variation 1767771 (VCV001767771.2), dbSNP rs1203119526, ClinGen allele CA358793708.

ClinVar aggregate classification (germline): Uncertain significance (1 of 4 stars; one submission).

Allele frequency attached by ClinVar (database versions not stated): gnomAD exomes below 0.00001; TOPMed below 0.00001; gnomAD 0.00001.
gnomAD v4.1: 3 of 1,613,968 alleles (0.00019%); highest among the groups gnomAD compares: Non-Finnish European, 0.00025%; no homozygotes.

Submission:

Ambry Genetics
Classification: Uncertain significance. Last evaluated: 2022-10-02. Review status: criteria provided, single submitter. Criteria: Ambry Variant Classification Scheme 2023. Collection method: clinical testing. Allele origin: germline.
Comment: The p.G323R variant (also known as c.967G>A), located in coding exon 2 of the PALLD gene, results from a G to A substitution at nucleotide position 967. The glycine at codon 323 is replaced by arginine, an amino acid with dissimilar properties. This amino acid position is conserved. In addition, this alteration is predicted to be tolerated by in silico analysis. Since supporting evidence is limited at this time, the clinical significance of this alteration remains unclear.